The following is an entry in ClinVar:

ClinVar aggregate classification (germline): Uncertain significance. Review status: criteria provided, multiple submitters, no conflicts (2 of 4 stars). 2 submissions from 2 submitters: Uncertain significance (2). Last evaluated 2026-07-11.

Conditions:
Hereditary cancer-predisposing syndrome. Also called: Tumor predisposition; Hereditary neoplastic syndrome; Neoplastic Syndromes, Hereditary; Hereditary Cancer Syndrome. Identifiers: Orphanet 140162, MedGen C0027672, MeSH D009386, MONDO:0015356.
Parathyroid carcinoma (PRTC). Also called: CDC73-Related Parathyroid Carcinoma; Parathyroid gland carcinoma. Identifiers: Orphanet 143, MedGen C0687150, MONDO:0012004, OMIM 608266, HP:0006780.

Submissions (2):

Ambry Genetics
Classification: Uncertain significance for Hereditary cancer-predisposing syndrome. Last evaluated: 2026-07-11. Review status: criteria provided, single submitter. Criteria: Ambry Variant Classification Scheme 2023. Collection method: clinical testing. Allele origin: germline.
Comment: The p.F531C variant (also known as c.1592T>G), located in coding exon 17 of the CDC73 gene, results from a T to G substitution at nucleotide position 1592. The phenylalanine at codon 531 is replaced by cysteine, an amino acid with highly dissimilar properties. This amino acid position is conserved. In addition, this alteration is predicted to be deleterious by in silico analysis. Based on the available evidence, the clinical significance of this variant remains unclear.

Labcorp Genetics (formerly Invitae), Labcorp
Classification: Uncertain significance for Parathyroid carcinoma. Last evaluated: 2023-04-07. Review status: criteria provided, single submitter. Criteria: Invitae Variant Classification Sherloc (09022015). Collection method: clinical testing. Allele origin: germline.
Comment: This sequence change replaces phenylalanine, which is neutral and non-polar, with cysteine, which is neutral and slightly polar, at codon 531 of the CDC73 protein (p.Phe531Cys). In summary, the available evidence is currently insufficient to determine the role of this variant in disease. Therefore, it has been classified as a Variant of Uncertain Significance. Advanced modeling of protein sequence and biophysical properties (such as structural, functional, and spatial information, amino acid conservation, physicochemical variation, residue mobility, and thermodynamic stability) performed at Invitae indicates that this missense variant is expected to disrupt CDC73 protein function. ClinVar contains an entry for this variant (Variation ID: 1718426). This variant has not been reported in the literature in individuals affected with CDC73-related conditions. This variant is not present in population databases (gnomAD no frequency).

NM_024529.5(CDC73):c.1592T>G (p.Phe531Cys)

Gene: CDC73 (cell division cycle 73; plus strand). Cytogenetic location: 1q31.2.
Variant type: single nucleotide variant.
Coding change: c.1592T>G on transcript NM_024529.5 (MANE Select); coding-DNA position 1592, T replaced by G.
Protein change: p.Phe531Cys; replaces phenylalanine 531 with cysteine.
Molecular consequence: missense variant.
Genome position (GRCh38, 1-based): chr1:193,250,708, T>G. VCF-style: chr1-193250708-T-G. GRCh37 (hg19) VCF-style: chr1-193219838-T-G.
Other names: short protein forms F531C.
Identifiers: ClinVar variation 1718426 (VCV001718426.7), dbSNP rs2527526385, ClinGen allele CA344078755.